The following is an entry in ClinVar:

ClinVar aggregate classification (germline): Uncertain significance. Review status: criteria provided, single submitter (1 of 4 stars). 2 submissions from 2 submitters: Uncertain significance (1). 1 of the submissions does not count toward it. Last evaluated 2023-07-25.

Conditions:
NCOA1-related disorder. Also called: NCOA1-related condition.

Allele frequency attached by ClinVar (database versions not stated): gnomAD 0.00001; gnomAD exomes 0.00001; ExAC 0.00003.
gnomAD v4.1: 22 of 1,614,042 alleles (0.0014%); highest among the groups gnomAD compares: South Asian, 0.019%; no homozygotes.

Submissions (2):

Ambry Genetics
Classification: Uncertain significance. Last evaluated: 2023-07-25. Review status: criteria provided, single submitter. Criteria: Ambry Variant Classification Scheme 2023. Collection method: clinical testing. Allele origin: germline.

PreventionGenetics, part of Exact Sciences
Classification: Uncertain significance for NCOA1-related condition. Last evaluated: 2024-09-04. Review status: no assertion criteria provided. Collection method: clinical testing. Allele origin: germline. Not counted in ClinVar's aggregate classification.
Comment: The NCOA1 c.1517A>G variant is predicted to result in the amino acid substitution p.Asn506Ser. To our knowledge, this variant has not been reported in the literature. This variant is reported in 0.0098% of alleles in individuals of South Asian descent in gnomAD. At this time, the clinical significance of this variant is uncertain due to the absence of conclusive functional and genetic evidence.

NM_003743.5(NCOA1):c.1517A>G (p.Asn506Ser)

Gene: NCOA1 (nuclear receptor coactivator 1; plus strand). Cytogenetic location: 2p23.3.
Variant type: single nucleotide variant.
Coding change: c.1517A>G on transcript NM_003743.5 (MANE Select); coding-DNA position 1517, A replaced by G.
Protein change: p.Asn506Ser; replaces asparagine 506 with serine.
Molecular consequence: missense variant.
Genome position (GRCh38, 1-based): chr2:24,706,987, A>G. VCF-style: chr2-24706987-A-G. GRCh37 (hg19) VCF-style: chr2-24929856-A-G.
Other names: c.1517A>G, p.Asn506Ser (NM_001362950.1, NM_001362952.1, NM_001362954.1 and 3 more transcripts); short protein forms N506S.
Identifiers: ClinVar variation 2614148 (VCV002614148.3), dbSNP rs748492139, ClinGen allele CA1552269.